The following is an entry in ClinVar:

NM_002857.4(PEX19):c.484A>C (p.Met162Leu)

Gene: PEX19 (peroxisomal biogenesis factor 19; minus strand). Cytogenetic location: 1q23.2.
Variant type: single nucleotide variant.
Coding change: c.484A>C on transcript NM_002857.4 (MANE Select); coding-DNA position 484, A replaced by C.
Protein change: p.Met162Leu; replaces methionine 162 with leucine.
Molecular consequence: missense variant. On other transcripts: non-coding transcript variant (2).
Genome position (GRCh38, 1-based): chr1:160,282,149, T>G on the plus strand (A>C on the coding strand, the complement: PEX19 is on the minus strand). VCF-style: chr1-160282149-T-G. GRCh37 (hg19) VCF-style: chr1-160251939-T-G.
Other names: c.484A>C, p.Met162Leu (NM_001193644.1); short protein forms M162L.
Identifiers: ClinVar variation 1468147 (VCV001468147.8), dbSNP rs1205563557, ClinGen allele CA343260406.

ClinVar aggregate classification (germline): Uncertain significance (1 of 4 stars; one submission).

Conditions:
Peroxisome biogenesis disorder 12A (Zellweger). Also called: Peroxisome biogenesis disorder 12A. Identifiers: Orphanet 912, MedGen C3554002, MONDO:0013951, OMIM 614886.

Allele frequency attached by ClinVar (database versions not stated): gnomAD 0.00001.

Submission:

Labcorp Genetics (formerly Invitae), Labcorp
Classification: Uncertain significance for Peroxisome biogenesis disorder 12A (Zellweger). Last evaluated: 2021-03-12. Review status: criteria provided, single submitter. Criteria: Invitae Variant Classification Sherloc (09022015). Collection method: clinical testing. Allele origin: germline.
Comment: In summary, the available evidence is currently insufficient to determine the role of this variant in disease. Therefore, it has been classified as a Variant of Uncertain Significance. Algorithms developed to predict the effect of missense changes on protein structure and function (SIFT, PolyPhen-2, Align-GVGD) all suggest that this variant is likely to be tolerated, but these predictions have not been confirmed by published functional studies and their clinical significance is uncertain. This variant has not been reported in the literature in individuals with PEX19-related conditions. This variant is not present in population databases (ExAC no frequency). This sequence change replaces methionine with leucine at codon 162 of the PEX19 protein (p.Met162Leu). The methionine residue is moderately conserved and there is a small physicochemical difference between methionine and leucine.